The following is an entry in ClinVar:

NM_001283009.2(RTEL1):c.3065T>C (p.Leu1022Pro)

Genes: RTEL1 (regulator of telomere elongation helicase 1; plus strand), RTEL1-TNFRSF6B (RTEL1-TNFRSF6B readthrough (NMD candidate); plus strand). Cytogenetic location: 20q13.33.
Variant type: single nucleotide variant.
Coding change: c.3065T>C on transcript NM_001283009.2 (MANE Select); coding-DNA position 3065, T replaced by C.
Protein change: p.Leu1022Pro; replaces leucine 1022 with proline.
Molecular consequence: missense variant. On other transcripts: non-coding transcript variant (1).
Genome position (GRCh38, 1-based): chr20:63,694,444, T>C. VCF-style: chr20-63694444-T-C. GRCh37 (hg19) VCF-style: chr20-62325797-T-C.
Other names: c.2396T>C, p.Leu799Pro (NM_001283010.1); c.3065T>C, p.Leu1022Pro (NM_016434.4); c.3137T>C, p.Leu1046Pro (NM_032957.5); short protein forms L799P, L1022P, L1046P.
Identifiers: ClinVar variation 3791206 (VCV003791206.1).
Genomic context (GRCh38, chr20:63,694,444, plus strand): 5'-CGGATCCCAAGCTGACCGTGTCCACGGCTGCAGCCCAGCAGCTGGACCCCCAAGAGCACC[T>C]GAACCAGGGCAGGCCCCACCTGTCGCCCAGGCCACCCCCAACAGGTAGCTGACTCCTGAA-3'
Protein context (NP_001269938.1, residues 1012-1032): AAQQLDPQEH[Leu1022Pro]NQGRPHLSPR

ClinVar aggregate classification (germline): Uncertain significance (1 of 4 stars; one submission).

Conditions:
Inborn genetic diseases. Identifiers: MedGen C0950123, MeSH D030342.

Submission:

Ambry Genetics
Classification: Uncertain significance for Inborn genetic diseases. Last evaluated: 2025-03-07. Review status: criteria provided, single submitter. Criteria: Ambry Variant Classification Scheme 2023. Collection method: clinical testing. Allele origin: germline.
Comment: The p.L1022P variant (also known as c.3065T>C), located in coding exon 30 of the RTEL1 gene, results from a T to C substitution at nucleotide position 3065. The leucine at codon 1022 is replaced by proline, an amino acid with similar properties. This amino acid position is conserved. In addition, this alteration is predicted to be deleterious by in silico analysis. Based on the available evidence, the clinical significance of this variant remains unclear.